The following is an entry in ClinVar:

NM_015978.3(TNNI3K):c.62_69del (p.Ser21fs)

Genes: FPGT-TNNI3K (FPGT-TNNI3K readthrough; plus strand), TNNI3K (TNNI3 interacting kinase; plus strand). Cytogenetic location: 1p31.1.
Variant type: Deletion.
Coding change: c.62_69del on transcript NM_015978.3 (MANE Select); coding-DNA positions 62 to 69, 8 bases deleted (GTGAATCA; older notation c.62_69delGTGAATCA).
Protein change: p.Ser21fs; shifts the reading frame from serine 21.
Molecular consequence: frameshift variant.
Genome position (GRCh38, 1-based): chr1:74,236,123-74,236,130, GTGAATCA deleted; deleting any 8 consecutive bases within chr1:74,236,120-74,236,130 gives the same sequence; the c. name uses the placement nearest the transcript's 3' end. VCF-style (leftmost placement, unchanged base first): chr1-74236119-GTCAGTGAA-G. GRCh37 (hg19) VCF-style: chr1-74701803-GTCAGTGAA-G.
Other names: c.365_372del, p.Ser122fs (NM_001199327.2, NM_001112808.3); short protein forms S21fs, S122fs.
Identifiers: ClinVar variation 2796647 (VCV002796647.3), dbSNP rs1653842895, ClinGen allele CA1176076595.

ClinVar aggregate classification (germline): Uncertain significance (1 of 4 stars; one submission).

Submission:

Labcorp Genetics (formerly Invitae), Labcorp
Classification: Uncertain significance. Last evaluated: 2023-09-06. Review status: criteria provided, single submitter. Criteria: Invitae Variant Classification Sherloc (09022015). Collection method: clinical testing. Allele origin: germline.
Comment: This sequence change creates a premature translational stop signal (p.Ser21Ilefs*11) in the TNNI3K gene. It is expected to result in an absent or disrupted protein product. However, the current clinical and genetic evidence is not sufficient to establish whether loss-of-function variants in TNNI3K cause disease. This variant is not present in population databases (gnomAD no frequency). This variant has not been reported in the literature in individuals affected with TNNI3K-related conditions. In summary, the available evidence is currently insufficient to determine the role of this variant in disease. Therefore, it has been classified as a Variant of Uncertain Significance.